The following is an entry in ClinVar:

ClinVar aggregate classification (germline): Uncertain significance. Review status: criteria provided, multiple submitters, no conflicts (2 of 4 stars). 2 submissions from 2 submitters: Uncertain significance (2). Last evaluated 2025-11-17.

Conditions:
Severe combined immunodeficiency due to DNA-PKcs deficiency. Also called: IMMUNODEFICIENCY 26 WITH NEUROLOGIC ABNORMALITIES; Immunodeficiency 26 with or without neurologic abnormalities. Identifiers: Orphanet 317425, MedGen C4014833, MONDO:0014423, OMIM 615966.

Allele frequency attached by ClinVar (database versions not stated): ExAC 0.00001; gnomAD exomes 0.00001 and 0.00002; TOPMed 0.00001.
gnomAD v4.1: 15 of 1,613,966 alleles (0.00093%); highest among the groups gnomAD compares: Admixed American, 0.0083%; no homozygotes.

Submissions (2):

Labcorp Genetics (formerly Invitae), Labcorp
Classification: Uncertain significance for Severe combined immunodeficiency due to DNA-PKcs deficiency. Last evaluated: 2025-11-17. Review status: criteria provided, single submitter. Criteria: Invitae Variant Classification Sherloc (09022015). Collection method: clinical testing. Allele origin: germline.
Comment: This sequence change replaces tyrosine, which is neutral and polar, with cysteine, which is neutral and slightly polar, at codon 2288 of the PRKDC protein (p.Tyr2288Cys). This variant is present in population databases (rs745998661, gnomAD 0.006%). This variant has not been reported in the literature in individuals affected with PRKDC-related conditions. ClinVar contains an entry for this variant (Variation ID: 1022277). Invitae Evidence Modeling of protein sequence and biophysical properties (such as structural, functional, and spatial information, amino acid conservation, physicochemical variation, residue mobility, and thermodynamic stability) indicates that this missense variant is not expected to disrupt PRKDC protein function with a negative predictive value of 80%. In summary, the available evidence is currently insufficient to determine the role of this variant in disease. Therefore, it has been classified as a Variant of Uncertain Significance.

Department of Pathology and Laboratory Medicine, Sinai Health System
Classification: Uncertain significance for severe combined immunodeficiency due to DNA-PKcs deficiency. Last evaluated: 2021-08-09. Review status: criteria provided, single submitter. Criteria: ACMG Guidelines, 2015. Collection method: research. Allele origin: germline.

NM_006904.7(PRKDC):c.6863A>G (p.Tyr2288Cys)

Gene: PRKDC (protein kinase, DNA-activated, catalytic subunit; minus strand). Cytogenetic location: 8q11.21.
Variant type: single nucleotide variant.
Coding change: c.6863A>G on transcript NM_006904.7 (MANE Select); coding-DNA position 6863, A replaced by G.
Protein change: p.Tyr2288Cys; replaces tyrosine 2288 with cysteine.
Molecular consequence: missense variant.
Genome position (GRCh38, 1-based): chr8:47,854,113, T>C on the plus strand (A>G on the coding strand, the complement: PRKDC is on the minus strand). VCF-style: chr8-47854113-T-C. GRCh37 (hg19) VCF-style: chr8-48766674-T-C.
Other names: c.6863A>G, p.Tyr2288Cys (NM_001081640.2); short protein forms Y2288C.
Identifiers: ClinVar variation 1022277 (VCV001022277.7), dbSNP rs745998661, ClinGen allele CA4740245.